The following is an entry in ClinVar:

ClinVar aggregate classification (germline): Uncertain significance (1 of 4 stars; one submission).

Conditions:
Cohen syndrome (COH1). Also called: PEPPER SYNDROME; Cutis verticis gyrata, retinitis pigmentosa, and sensorineural deafness. Identifiers: Orphanet 193, MedGen C0265223, MONDO:0008999, OMIM 216550.

Allele frequency attached by ClinVar (database versions not stated): gnomAD exomes below 0.00001; TOPMed below 0.00001; gnomAD 0.00001.
gnomAD v4.1: 2 of 1,613,866 alleles (0.00012%); highest among the groups gnomAD compares: Non-Finnish European, 0.00017%; no homozygotes.

Submission:

Labcorp Genetics (formerly Invitae), Labcorp
Classification: Uncertain significance for Cohen syndrome. Last evaluated: 2024-10-14. Review status: criteria provided, single submitter. Criteria: Invitae Variant Classification Sherloc (09022015). Collection method: clinical testing. Allele origin: germline.
Comment: This sequence change replaces threonine with isoleucine at codon 2367 of the VPS13B protein (p.Thr2367Ile). The threonine residue is moderately conserved and there is a moderate physicochemical difference between threonine and isoleucine. This variant is not present in population databases (gnomAD no frequency). This variant has not been reported in the literature in individuals affected with VPS13B-related conditions. ClinVar contains an entry for this variant (Variation ID: 1513110). Invitae Evidence Modeling of protein sequence and biophysical properties (such as structural, functional, and spatial information, amino acid conservation, physicochemical variation, residue mobility, and thermodynamic stability) indicates that this missense variant is expected to disrupt VPS13B protein function with a positive predictive value of 80%. In summary, the available evidence is currently insufficient to determine the role of this variant in disease. Therefore, it has been classified as a Variant of Uncertain Significance.

NM_152564.5(VPS13B):c.7025C>T (p.Thr2342Ile)

Gene: VPS13B (vacuolar protein sorting 13 homolog B; plus strand). Cytogenetic location: 8q22.2.
Variant type: single nucleotide variant.
Coding change: c.7025C>T on transcript NM_152564.5 (MANE Select); coding-DNA position 7025, C replaced by T.
Protein change: p.Thr2342Ile; replaces threonine 2342 with isoleucine.
Molecular consequence: missense variant.
Genome position (GRCh38, 1-based): chr8:99,721,022, C>T. VCF-style: chr8-99721022-C-T. GRCh37 (hg19) VCF-style: chr8-100733250-C-T.
Other names: c.7100C>T, p.Thr2367Ile (NM_017890.5); short protein forms T2342I, T2367I.
Identifiers: ClinVar variation 1513110 (VCV001513110.5), dbSNP rs1833108203, ClinGen allele CA371868648.